The following is an entry in ClinVar:

NM_144687.4(NLRP12):c.952C>T (p.Arg318Trp)

Gene: NLRP12 (NLR family pyrin domain containing 12; minus strand). Cytogenetic location: 19q13.42.
Variant type: single nucleotide variant.
Coding change: c.952C>T on transcript NM_144687.4 (MANE Select); coding-DNA position 952, C replaced by T.
Protein change: p.Arg318Trp; replaces arginine 318 with tryptophan.
Molecular consequence: missense variant.
Genome position (GRCh38, 1-based): chr19:53,810,707, G>A on the plus strand (C>T on the coding strand, the complement: NLRP12 is on the minus strand). VCF-style: chr19-53810707-G-A. GRCh37 (hg19) VCF-style: chr19-54313961-G-A.
Other names: c.952C>T, p.Arg318Trp (NM_001277126.2, NM_001277129.1); c.952C>T (NM_144687.2); short protein forms R318W.
Identifiers: ClinVar variation 1041549 (VCV001041549.9), dbSNP rs140585311, ClinGen allele CA9639565.

ClinVar aggregate classification (germline): Uncertain significance. Review status: criteria provided, multiple submitters, no conflicts (2 of 4 stars). 2 submissions from 2 submitters: Uncertain significance (2). Last evaluated 2025-05-07.

Conditions:
Inborn genetic diseases. Identifiers: MedGen C0950123, MeSH D030342.
Familial cold autoinflammatory syndrome 2 (FCAS2). Identifiers: Orphanet 247868, MedGen C2673198, MONDO:0012724, OMIM 611762.

gnomAD v4.1: 11 of 1,613,882 alleles (0.00068%); highest among the groups gnomAD compares: Non-Finnish European, 0.00068%; no homozygotes.

Submissions (2):

Labcorp Genetics (formerly Invitae), Labcorp
Classification: Uncertain significance for Familial cold autoinflammatory syndrome 2. Last evaluated: 2025-05-07. Review status: criteria provided, single submitter. Criteria: Invitae Variant Classification Sherloc (09022015). Collection method: clinical testing. Allele origin: germline.
Comment: This sequence change replaces arginine, which is basic and polar, with tryptophan, which is neutral and slightly polar, at codon 318 of the NLRP12 protein (p.Arg318Trp). This variant is present in population databases (rs140585311, gnomAD 0.003%). This variant has not been reported in the literature in individuals affected with NLRP12-related conditions. ClinVar contains an entry for this variant (Variation ID: 1041549). Invitae Evidence Modeling of protein sequence and biophysical properties (such as structural, functional, and spatial information, amino acid conservation, physicochemical variation, residue mobility, and thermodynamic stability) indicates that this missense variant is not expected to disrupt NLRP12 protein function with a negative predictive value of 80%. In summary, the available evidence is currently insufficient to determine the role of this variant in disease. Therefore, it has been classified as a Variant of Uncertain Significance.

Ambry Genetics
Classification: Uncertain significance for Inborn genetic diseases. Last evaluated: 2024-06-13. Review status: criteria provided, single submitter. Criteria: Ambry Variant Classification Scheme 2023. Collection method: clinical testing. Allele origin: germline.